The following is an entry in ClinVar:

ClinVar aggregate classification (germline): Pathogenic. Review status: criteria provided, multiple submitters, no conflicts (2 of 4 stars). 4 submissions from 4 submitters: Pathogenic (4). Last evaluated 2025-10-15.

Conditions:
Galactosemia. Also called: Galactose intolerance. Identifiers: Orphanet 352, MedGen C0016952, MONDO:0018116, HP:0004919. Disease mechanism: loss of function.
Deficiency of UDPglucose-hexose-1-phosphate uridylyltransferase. Also called: GALACTOSE-1-PHOSPHATE URIDYLYLTRANSFERASE DEFICIENCY; GALT deficiency; Galactosemia, classic; Transferase Deficiency Galactosemia; GALACTOSEMIA I. Identifiers: Orphanet 352, Orphanet 79239, MedGen C0268151, MONDO:0009258, OMIM 230400.

Submissions (4):

Natera, Inc.
Classification: Pathogenic for Galactosemia. Last evaluated: 2025-10-15. Review status: criteria provided, single submitter. Criteria: Natera Variant Classification Schema (03/2026). Collection method: clinical testing. Allele origin: germline.
Comment: The c.1018G>T variant in GALT is a nonsense variant predicted to introduce a stop codon at amino acid 340. This variant is expected to result in nonsense mediated decay, truncation, or a dysfunctional protein product. This variant is rare in the general population with a frequency below the threshold expected for the associated phenotype(s). This variant has been observed in one or more individuals affected with the associated recessive disease, as either homozygous or compound heterozygous with a second variant (PMID: 31042289, 31194682). Given the available evidence, this variant is classified as Pathogenic.

Fulgent Genetics
Classification: Pathogenic for Deficiency of UDPglucose-hexose-1-phosphate uridylyltransferase. Last evaluated: 2024-03-20. Review status: criteria provided, single submitter. Criteria: ACMG Guidelines, 2015. Collection method: clinical testing. Allele origin: germline.

Intergen Genetics and Rare Diseases Diagnosis Center
Classification: Pathogenic for Deficiency of UDPglucose-hexose-1-phosphate uridylyltransferase. Last evaluated: 2023-11-28. Review status: criteria provided, single submitter. Criteria: ACMG Guidelines, 2015. Collection method: clinical testing. Allele origin: germline. Inheritance: Autosomal recessive inheritance. Affected: no. Observed: 1 heterozygote.

Lupski Lab, Baylor-Hopkins CMG, Baylor College of Medicine
Classification: Pathogenic for Deficiency of UDPglucose-hexose-1-phosphate uridylyltransferase. Last evaluated: 2019-04-22. Review status: criteria provided, single submitter. Criteria: Jolly et al. (J Clin Endocrinol Metab. 2019). Collection method: research. Allele origin: inherited, unknown. Inheritance: Autosomal recessive inheritance. Affected: yes and no. Observed: 3 variant alleles, 2 heterozygotes, 1 homozygote. Clinical features observed: Hypergonadotropic hypogonadism (HP:0000815), Hepatomegaly (HP:0002240).

Literature cited by the submitters: PubMed 31042289 (cited by Natera, Inc.); PubMed 31194682 (cited by Natera, Inc.).

NM_000155.4(GALT):c.1018G>T (p.Glu340Ter)

Gene: GALT (galactose-1-phosphate uridylyltransferase; plus strand). Cytogenetic location: 9p13.3.
Variant type: single nucleotide variant.
Coding change: c.1018G>T on transcript NM_000155.4 (MANE Select); coding-DNA position 1018, G replaced by T.
Protein change: p.Glu340Ter; replaces glutamic acid 340 with a stop codon.
Molecular consequence: nonsense.
Genome position (GRCh38, 1-based): chr9:34,649,523, G>T. VCF-style: chr9-34649523-G-T. GRCh37 (hg19) VCF-style: chr9-34649520-G-T.
Other names: c.691G>T, p.Glu231Ter (NM_001258332.2); short protein forms E340*, E231*.
Identifiers: ClinVar variation 25318 (VCV000025318.7), dbSNP rs111033806, ClinGen allele CA259569.